The following is an entry in ClinVar:

NM_000535.7(PMS2):c.2373del (p.Ser791fs)

Gene: PMS2 (PMS1 homolog 2, mismatch repair system component; minus strand). Cytogenetic location: 7p22.1.
Variant type: Deletion.
Coding change: c.2373del on transcript NM_000535.7 (MANE Select); coding-DNA position 2373, one base deleted (C; older notation c.2373delC).
Protein change: p.Ser791fs; shifts the reading frame from serine 791.
Molecular consequence: frameshift variant. On other transcripts: non-coding transcript variant (1).
Genome position (GRCh38, 1-based): chr7:5,977,660, G deleted on the plus strand (C on the coding strand, the reverse complement: PMS2 is on the minus strand). VCF-style (leftmost placement, unchanged base first): chr7-5977659-CG-C. GRCh37 (hg19) VCF-style: chr7-6017290-CG-C.
Other names: c.1968delC, p.Ser656Argfs (NM_001018040.1); c.1968del, p.Ser656fs (NM_001322003.2, NM_001322004.2, NM_001322005.2 and 11 more transcripts); c.2217del, p.Ser739fs (NM_001322006.2); c.2055del, p.Ser685fs (NM_001322007.2, NM_001322008.2, NM_001406883.1); c.2001del, p.Ser667fs (NM_001322009.2, NM_001406887.1, NM_001406888.1); c.1812del, p.Ser604fs (NM_001322010.2, NM_001406906.1, NM_001406907.1); c.1440del, p.Ser480fs (NM_001322011.2, NM_001322012.2); c.1800del, p.Ser600fs (NM_001322013.2, NM_001406908.1, NM_001406909.1); and 21 more; short protein forms S390fs, S480fs, S534fs, S552fs, S600fs, S604fs, S620fs, S629fs.
Identifiers: ClinVar variation 2674247 (VCV002674247.1), dbSNP rs2535320896, ClinGen allele CA2695198399.
Genomic context (GRCh38, chr7:5,977,659, plus strand): 5'-AGGCTCTGGAGGCAAACATCTGCTTGACTCGGGAAGGCCGGCACATGACCCCAGGGCTGT[CG>C]CTCAGCATGAAGATCAGTTCATCGACGTCCTGGGGTCCGAAGGTCCAGTTTTTACTAGTT-3'

ClinVar aggregate classification (germline): Pathogenic (1 of 4 stars; one submission).

Conditions:
Lynch syndrome 4 (LYNCH4). Also called: Hereditary non-polyposis colorectal cancer, type 4; Colorectal cancer, hereditary nonpolyposis, type 4. Identifiers: Orphanet 144, MedGen C1838333, MONDO:0013699, OMIM 614337. Disease mechanism: loss of function.

Submission:

Myriad Genetics, Inc.
Classification: Pathogenic for Lynch syndrome 4. Last evaluated: 2023-09-22. Review status: criteria provided, single submitter. Criteria: Myriad Autosomal Dominant, Autosomal Recessive and X-Linked Classification Criteria (2023). Collection method: clinical testing. Allele origin: unknown.
Comment: This variant is considered pathogenic. This variant creates a frameshift predicted to result in premature protein truncation.